The following is an entry in ClinVar:

NM_194248.3(OTOF):c.5425T>G (p.Ser1809Ala)

Gene: OTOF (otoferlin; minus strand). Cytogenetic location: 2p23.3.
Variant type: single nucleotide variant.
Coding change: c.5425T>G on transcript NM_194248.3 (MANE Select); coding-DNA position 5425, T replaced by G.
Protein change: p.Ser1809Ala; replaces serine 1809 with alanine.
Molecular consequence: missense variant.
Genome position (GRCh38, 1-based): chr2:26,461,804, A>C on the plus strand (T>G on the coding strand, the complement: OTOF is on the minus strand). VCF-style: chr2-26461804-A-C. GRCh37 (hg19) VCF-style: chr2-26684672-A-C.
Other names: c.5425T>G, p.Ser1809Ala (NM_001287489.2); c.3124T>G, p.Ser1042Ala (NM_004802.4, NM_194323.3); c.3355T>G, p.Ser1119Ala (NM_194322.3); short protein forms S1042A, S1119A, S1809A.
Identifiers: ClinVar variation 3381272 (VCV003381272.1).

ClinVar aggregate classification (germline): Uncertain significance (1 of 4 stars; one submission).

gnomAD v4.1: 14 of 1,614,004 alleles (0.00087%); highest among the groups gnomAD compares: Non-Finnish European, 0.0012%; no homozygotes.

Submission:

GeneDx
Classification: Uncertain significance. Last evaluated: 2024-05-24. Review status: criteria provided, single submitter. Criteria: GeneDx Variant Classification Process June 2021. Collection method: clinical testing. Allele origin: germline. Affected: yes.
Comment: Not observed at significant frequency in large population cohorts (gnomAD); In silico analysis supports that this missense variant has a deleterious effect on protein structure/function; Has not been previously published as pathogenic or benign to our knowledge